The following is an entry in ClinVar:

ClinVar aggregate classification (germline): Uncertain significance. Review status: criteria provided, multiple submitters, no conflicts (2 of 4 stars). 2 submissions from 2 submitters: Uncertain significance (2). Last evaluated 2025-12-29.

Conditions:
Inborn genetic diseases. Identifiers: MedGen C0950123, MeSH D030342.
Immunodeficiency 14 (IMD14A). Also called: ACTIVATED PI3K-DELTA SYNDROME 1; Activated PI3K Delta Syndrome Type 1 (APDS1); p110-DELTA-ACTIVATING MUTATION CAUSING SENESCENT T CELLS, LYMPHADENOPATHY, AND IMMUNODEFICIENCY; IMMUNODEFICIENCY 14A WITH LYMPHOPROLIFERATION, AUTOSOMAL DOMINANT. Identifiers: Orphanet 397596, Orphanet 693661, MedGen C5907821, MONDO:0014222, OMIM 615513.

Submissions (2):

Ambry Genetics
Classification: Uncertain significance for Inborn genetic diseases. Last evaluated: 2025-12-29. Review status: criteria provided, single submitter. Criteria: Ambry Variant Classification Scheme 2023. Collection method: clinical testing. Allele origin: germline.

Labcorp Genetics (formerly Invitae), Labcorp
Classification: Uncertain significance for Activated PI3K-delta syndrome. Last evaluated: 2024-09-06. Review status: criteria provided, single submitter. Criteria: Invitae Variant Classification Sherloc (09022015). Collection method: clinical testing. Allele origin: germline.
Comment: This sequence change replaces isoleucine, which is neutral and non-polar, with valine, which is neutral and non-polar, at codon 597 of the PIK3CD protein (p.Ile597Val). This variant is not present in population databases (gnomAD no frequency). This variant has not been reported in the literature in individuals affected with PIK3CD-related conditions. ClinVar contains an entry for this variant (Variation ID: 1463009). Invitae Evidence Modeling of protein sequence and biophysical properties (such as structural, functional, and spatial information, amino acid conservation, physicochemical variation, residue mobility, and thermodynamic stability) indicates that this missense variant is not expected to disrupt PIK3CD protein function with a negative predictive value of 80%. In summary, the available evidence is currently insufficient to determine the role of this variant in disease. Therefore, it has been classified as a Variant of Uncertain Significance.

NM_005026.5(PIK3CD):c.1789A>G (p.Ile597Val)

Gene: PIK3CD (phosphatidylinositol-4,5-bisphosphate 3-kinase catalytic subunit delta; plus strand). Cytogenetic location: 1p36.22.
Variant type: single nucleotide variant.
Coding change: c.1789A>G on transcript NM_005026.5 (MANE Select); coding-DNA position 1789, A replaced by G.
Protein change: p.Ile597Val; replaces isoleucine 597 with valine.
Molecular consequence: missense variant.
Genome position (GRCh38, 1-based): chr1:9,721,226, A>G. VCF-style: chr1-9721226-A-G. GRCh37 (hg19) VCF-style: chr1-9781284-A-G.
Other names: c.1786A>G, p.Ile596Val (NM_001350234.2); c.1702A>G, p.Ile568Val (NM_001350235.1); c.1789A>G (NM_005026.3); short protein forms I597V, I568V, I596V.
Identifiers: ClinVar variation 1463009 (VCV001463009.9), dbSNP rs2100963194, ClinGen allele CA338304310.